The following is an entry in ClinVar:

NM_001440.4(EXTL3):c.2320C>T (p.Arg774Cys)

Gene: EXTL3 (exostosin like glycosyltransferase 3; plus strand). Cytogenetic location: 8p21.1.
Variant type: single nucleotide variant.
Coding change: c.2320C>T on transcript NM_001440.4 (MANE Select); coding-DNA position 2320, C replaced by T.
Protein change: p.Arg774Cys; replaces arginine 774 with cysteine.
Molecular consequence: missense variant. On other transcripts: non-coding transcript variant (1).
Genome position (GRCh38, 1-based): chr8:28,737,562, C>T. VCF-style: chr8-28737562-C-T. GRCh37 (hg19) VCF-style: chr8-28595079-C-T.
Other names: short protein forms R774C.
Identifiers: ClinVar variation 1370590 (VCV001370590.6), dbSNP rs1554487418, ClinGen allele CA4696405.

ClinVar aggregate classification (germline): Uncertain significance (1 of 4 stars; one submission).

Allele frequency attached by ClinVar (database versions not stated): gnomAD exomes below 0.00001; TOPMed below 0.00001; ExAC 0.00001; gnomAD 0.00001.
gnomAD v4.1: 2 of 1,613,922 alleles (0.00012%); highest among the groups gnomAD compares: Admixed American, 0.0033%; no homozygotes.

Submission:

Labcorp Genetics (formerly Invitae), Labcorp
Classification: Uncertain significance. Last evaluated: 2021-07-28. Review status: criteria provided, single submitter. Criteria: Invitae Variant Classification Sherloc (09022015). Collection method: clinical testing. Allele origin: germline.
Comment: This variant has not been reported in the literature in individuals affected with EXTL3-related conditions. In summary, the available evidence is currently insufficient to determine the role of this variant in disease. Therefore, it has been classified as a Variant of Uncertain Significance. Algorithms developed to predict the effect of missense changes on protein structure and function (SIFT, PolyPhen-2, Align-GVGD) all suggest that this variant is likely to be disruptive. This variant is present in population databases (no rsID available, ExAC 0.009%). This sequence change replaces arginine with cysteine at codon 774 of the EXTL3 protein (p.Arg774Cys). The arginine residue is highly conserved and there is a large physicochemical difference between arginine and cysteine.